The following is an entry in ClinVar:

ClinVar aggregate classification (germline): Uncertain significance (1 of 4 stars; one submission).

Conditions:
Congenital myopathy 4B, autosomal recessive. Also called: Nemaline myopathy 1, autosomal dominant or recessive. Identifiers: Orphanet 171433, Orphanet 171439, Orphanet 171881, MedGen C5829889, MONDO:0012239, OMIM 609284.
Congenital myopathy with fiber type disproportion. Also called: Congenital fiber-type disproportion; Congenital fiber-type disproportion myopathy. Identifiers: Orphanet 2020, MedGen C0546264, MONDO:0009711. Inheritance: all.

gnomAD v4.1: 2 of 1,614,178 alleles (0.00012%); highest among the groups gnomAD compares: Non-Finnish European, 0.00017%; no homozygotes.

Submission:

Labcorp Genetics (formerly Invitae), Labcorp
Classification: Uncertain significance for Congenital myopathy with fiber type disproportion; Congenital myopathy 4B, autosomal recessive. Last evaluated: 2025-10-21. Review status: criteria provided, single submitter. Criteria: Invitae Variant Classification Sherloc (09022015). Collection method: clinical testing. Allele origin: germline.
Comment: This sequence change falls in intron 8 of the TPM3 gene. It does not directly change the encoded amino acid sequence of the TPM3 protein. It affects a nucleotide within the consensus splice site. This variant is not present in population databases (gnomAD no frequency). This variant has not been reported in the literature in individuals affected with TPM3-related conditions. Variants that disrupt the consensus splice site are a relatively common cause of aberrant splicing (PMID: 17576681, 9536098). Algorithms developed to predict the effect of sequence changes on RNA splicing suggest that this variant is not likely to affect RNA splicing. In summary, the available evidence is currently insufficient to determine the role of this variant in disease. Therefore, it has been classified as a Variant of Uncertain Significance.

Literature cited by the submitters: PubMed 17576681; PubMed 9536098.

NM_152263.4(TPM3):c.776-3C>T

Gene: TPM3 (tropomyosin 3; minus strand). Cytogenetic location: 1q21.3.
Variant type: single nucleotide variant.
Coding change: c.776-3C>T on transcript NM_152263.4 (MANE Select); 3 bases into the intron before coding-DNA position 776, C replaced by T.
Molecular consequence: intron variant.
Genome position (GRCh38, 1-based): chr1:154,169,386, G>A on the plus strand (C>T on the coding strand, the complement: TPM3 is on the minus strand). VCF-style: chr1-154169386-G-A. GRCh37 (hg19) VCF-style: chr1-154141862-G-A.
Other names: c.775+1014C>T (NM_001364679.2, NM_001364681.2, NM_001364680.2); c.466+1014C>T (NM_001278188.2); c.664+1014C>T (NM_001043351.2, NM_001043353.2, NM_153649.4 and 1 more transcripts); c.665-3C>T (NM_001349679.2, NM_001278189.2, NM_001364683.1); c.601+1014C>T (NM_001278190.2); c.394+1014C>T (NM_001278191.2); c.776-3C>T (NM_001364682.1).
Identifiers: ClinVar variation 4794033 (VCV004794033.1).
Genomic context (GRCh38, chr1:154,169,386, plus strand): 5'-GCGTGGTCCAGCTCCTCGCTAATGGCCTTGTACTTCAGTTTCTGGGCATAGAGCTCATCT[G>A]GACAGGCACAGGAACCACAGGGAGGAATGAGGGGACAGAGTGAAGAGTTTCAGAAGCAGA-3'